The following is an entry in ClinVar:

NM_003482.4(KMT2D):c.3511G>T (p.Glu1171Ter)

Genes: KMT2D (lysine methyltransferase 2D; minus strand), LOC126861520 (CDK7 strongly-dependent group 2 enhancer GRCh37_chr12:49442744-49443943; plus strand). Cytogenetic location: 12q13.12.
Variant type: single nucleotide variant.
Coding change: c.3511G>T on transcript NM_003482.4 (MANE Select); coding-DNA position 3511, G replaced by T.
Protein change: p.Glu1171Ter; replaces glutamic acid 1171 with a stop codon.
Molecular consequence: nonsense.
Genome position (GRCh38, 1-based): chr12:49,050,077, C>A on the plus strand (G>T on the coding strand, the complement: KMT2D is on the minus strand). VCF-style: chr12-49050077-C-A. GRCh37 (hg19) VCF-style: chr12-49443860-C-A.
Other names: short protein forms E1171*.
Identifiers: ClinVar variation 2137362 (VCV002137362.4), dbSNP rs780443391, ClinGen allele CA384656521.

ClinVar aggregate classification (germline): Pathogenic (1 of 4 stars; one submission).

Conditions:
Kabuki syndrome. Also called: NIIKAWA-KUROKI SYNDROME; Kabuki make-up syndrome. Identifiers: Orphanet 2322, MedGen C0796004, MONDO:0016512.

Submission:

Labcorp Genetics (formerly Invitae), Labcorp
Classification: Pathogenic for Kabuki syndrome. Last evaluated: 2022-06-17. Review status: criteria provided, single submitter. Criteria: Invitae Variant Classification Sherloc (09022015). Collection method: clinical testing. Allele origin: germline.
Comment: This sequence change creates a premature translational stop signal (p.Glu1171*) in the KMT2D gene. It is expected to result in an absent or disrupted protein product. Loss-of-function variants in KMT2D are known to be pathogenic (PMID: 22126750). For these reasons, this variant has been classified as Pathogenic. This premature translational stop signal has been observed in individual(s) with clinical features of Kabuki syndrome (PMID: 23913813). This variant is not present in population databases (gnomAD no frequency).

Literature cited by the submitters: PubMed 22126750; PubMed 23913813.